The following is an entry in ClinVar:

ClinVar aggregate classification (germline): Uncertain significance. Review status: criteria provided, multiple submitters, no conflicts (2 of 4 stars). 2 submissions from 2 submitters: Uncertain significance (2). Last evaluated 2025-06-06.

Conditions:
Paroxysmal nonkinesigenic dyskinesia. Also called: Paroxysmal non-kinesigenic dyskinesia. Identifiers: Orphanet 98810, MedGen C1869117, MONDO:0700088.

Submissions (2):

GeneDx
Classification: Uncertain significance. Last evaluated: 2025-06-06. Review status: criteria provided, single submitter. Criteria: GeneDx Variant Classification Process June 2021. Collection method: clinical testing. Allele origin: germline. Affected: yes.
Comment: Frameshift variant predicted to result in abnormal protein length as the last 28 amino acids are replaced with 20 different amino acids with an unclear effect on protein function; Not observed at significant frequency in large population cohorts (gnomAD); Has not been previously published as pathogenic or benign to our knowledge

Labcorp Genetics (formerly Invitae), Labcorp
Classification: Uncertain significance for Paroxysmal nonkinesigenic dyskinesia. Last evaluated: 2024-05-16. Review status: criteria provided, single submitter. Criteria: Invitae Variant Classification Sherloc (09022015). Collection method: clinical testing. Allele origin: germline.
Comment: This sequence change creates a premature translational stop signal (p.Pro358Argfs*21) in the PNKD gene. While this is not anticipated to result in nonsense mediated decay, it is expected to disrupt the last 28 amino acid(s) of the PNKD protein. This variant is not present in population databases (gnomAD no frequency). This variant has not been reported in the literature in individuals affected with PNKD-related conditions. ClinVar contains an entry for this variant (Variation ID: 1944144). Experimental studies and prediction algorithms are not available or were not evaluated, and the functional significance of this variant is currently unknown. In summary, the available evidence is currently insufficient to determine the role of this variant in disease. Therefore, it has been classified as a Variant of Uncertain Significance.

NM_015488.5(PNKD):c.1073del (p.Pro358fs)

Genes: CATIP-AS2 (CATIP antisense RNA 2; minus strand), PNKD (PNKD metallo-beta-lactamase domain containing; plus strand). Cytogenetic location: 2q35.
Variant type: Deletion.
Coding change: c.1073del on transcript NM_015488.5 (MANE Select); coding-DNA position 1073, one base deleted (C; older notation c.1073delC).
Protein change: p.Pro358fs; shifts the reading frame from proline 358.
Molecular consequence: frameshift variant.
Genome position (GRCh38, 1-based): chr2:218,344,896, C deleted; the last of 2 consecutive C bases (chr2:218,344,895-218,344,896); deleting either gives the same sequence. VCF-style (leftmost placement, unchanged base first): chr2-218344894-GC-G. GRCh37 (hg19) VCF-style: chr2-219209617-GC-G.
Other names: c.1001delC, p.Pro334Argfs (NM_022572.5); short protein forms P334fs, P358fs.
Identifiers: ClinVar variation 1944144 (VCV001944144.6), dbSNP rs2469474604, ClinGen allele CA2580065696.
Genomic context (GRCh38, chr2:218,344,894, plus strand): 5'-CTCCTACAACCCGTTCCTGAGAACCCACTGCCTGGCGCTACAGGAGGCTCTGGGGCCGGG[GC>G]CGGGCCCCACTGGGGATGATGACTACTCCCGGGCCCAGCTCCTGGAAGAGCTCCGCCGGC-3'